The following is an entry in ClinVar:

NM_002439.5(MSH3):c.1484T>A (p.Leu495Ter)

Gene: MSH3 (mutS homolog 3; plus strand). Cytogenetic location: 5q14.1.
Variant type: single nucleotide variant.
Coding change: c.1484T>A on transcript NM_002439.5 (MANE Select); coding-DNA position 1484, T replaced by A.
Protein change: p.Leu495Ter; replaces leucine 495 with a stop codon.
Molecular consequence: nonsense.
Genome position (GRCh38, 1-based): chr5:80,728,881, T>A. VCF-style: chr5-80728881-T-A. GRCh37 (hg19) VCF-style: chr5-80024700-T-A.
Other names: short protein forms L495*.
Identifiers: ClinVar variation 2586067 (VCV002586067.2), dbSNP rs2546754612, ClinGen allele CA360274200.
Genomic context (GRCh38, chr5:80,728,881, plus strand): 5'-TATAACAAGTTAATATATTCTGTTTTCTAGGTTCTCAAATTATTTCTGGCATTGTTAACT[T>A]AGAGAAGCCTGTGATTTGCTCTTTGGCTGCCATCATAAAATACCTCAAAGAATTCAACTT-3'

ClinVar aggregate classification (germline): Pathogenic (1 of 4 stars; one submission).

Conditions:
Hereditary cancer-predisposing syndrome. Also called: Hereditary neoplastic syndrome; Tumor predisposition; Hereditary Cancer Syndrome; Neoplastic Syndromes, Hereditary. Identifiers: Orphanet 140162, MedGen C0027672, MeSH D009386, MONDO:0015356.

Submission:

Ambry Genetics
Classification: Pathogenic for Hereditary cancer-predisposing syndrome. Last evaluated: 2023-08-01. Review status: criteria provided, single submitter. Criteria: Ambry Variant Classification Scheme 2023. Collection method: clinical testing. Allele origin: germline.
Comment: The p.L495* pathogenic mutation (also known as c.1484T>A), located in coding exon 10 of the MSH3 gene, results from a T to A substitution at nucleotide position 1484. This changes the amino acid from a leucine to a stop codon within coding exon 10. This variant is considered to be rare based on population cohorts in the Genome Aggregation Database (gnomAD). This alteration is expected to result in loss of function by premature protein truncation or nonsense-mediated mRNA decay. As such, this alteration is interpreted as a disease-causing mutation.